The following is an entry in ClinVar:

NM_139279.6(MCFD2):c.*2336A>C

Genes: MCFD2 (multiple coagulation factor deficiency 2, ER cargo receptor complex subunit; minus strand), MCFD2-AS1 (MCFD2 antisense RNA 1; plus strand). Cytogenetic location: 2p21.
Variant type: single nucleotide variant.
Coding change: c.*2336A>C on transcript NM_139279.6 (MANE Select); 2336 bases downstream of the stop codon, A replaced by C.
Molecular consequence: 3 prime UTR variant.
Genome position (GRCh38, 1-based): chr2:46,903,127, T>G on the plus strand (A>C on the coding strand, the complement: MCFD2 is on the minus strand). VCF-style: chr2-46903127-T-G. GRCh37 (hg19) VCF-style: chr2-47130266-T-G.
Other names: c.*2336A>C (NM_001171506.2, NM_001171507.2, NM_001171508.2 and 3 more transcripts).
Identifiers: ClinVar variation 336339 (VCV000336339.5), dbSNP rs144118640, ClinGen allele CA10613999.

ClinVar aggregate classification (germline): Benign (1 of 4 stars; one submission).

Conditions:
Factor 5 and Factor VIII, combined deficiency of, 2. Identifiers: Orphanet 35909, MedGen C3150889, MONDO:0013331, OMIM 613625.

Allele frequency attached by ClinVar (database versions not stated): TOPMed 0.01057; 1000 Genomes Project 30x 0.01156; 1000 Genomes Project 0.01178; gnomAD 0.01059 and 0.00985.

Submission:

Illumina Laboratory Services, Illumina
Classification: Benign for Factor 5 and Factor VIII, combined deficiency of, 2. Last evaluated: 2018-01-12. Review status: criteria provided, single submitter. Criteria: ICSL Variant Classification Criteria 13 December 2019. Collection method: clinical testing. Allele origin: germline.
Comment: This variant was observed in the ICSL laboratory as part of a predisposition screen in an ostensibly healthy population. It had not been previously curated by ICSL or reported in the Human Gene Mutation Database (HGMD: prior to June 1st, 2018), and was therefore a candidate for classification through an automated scoring system. Utilizing variant allele frequency, disease prevalence and penetrance estimates, and inheritance mode, an automated score was calculated to assess if this variant is too frequent to cause the disease. Based on the score and internal cut-off values, a variant classified as benign is not then subjected to further curation. The score for this variant resulted in a classification of benign for this disease.